The following is an entry in ClinVar:

ClinVar aggregate classification (germline): Conflicting classifications of pathogenicity. Review status: criteria provided, conflicting classifications (1 of 4 stars). 2 submissions from 2 submitters: Uncertain significance (1); Likely benign (1). Last evaluated 2025-07-21.

Allele frequency attached by ClinVar (database versions not stated): gnomAD exomes below 0.00001; gnomAD 0.00001; TOPMed 0.00001; 1000 Genomes Project 30x 0.00031.
gnomAD v4.1: 7 of 1,603,648 alleles (0.00044%); highest among the groups gnomAD compares: Middle Eastern, 0.017%; no homozygotes.

Submissions (2):

Labcorp Genetics (formerly Invitae), Labcorp
Classification: Uncertain significance. Last evaluated: 2025-07-21. Review status: criteria provided, single submitter. Criteria: Invitae Variant Classification Sherloc (09022015). Collection method: clinical testing. Allele origin: germline.
Comment: This sequence change replaces threonine, which is neutral and polar, with methionine, which is neutral and non-polar, at codon 200 of the DVL1 protein (p.Thr200Met). This variant is not present in population databases (gnomAD no frequency). This variant has not been reported in the literature in individuals affected with DVL1-related conditions. ClinVar contains an entry for this variant (Variation ID: 1433058). Invitae Evidence Modeling of protein sequence and biophysical properties (such as structural, functional, and spatial information, amino acid conservation, physicochemical variation, residue mobility, and thermodynamic stability) indicates that this missense variant is not expected to disrupt DVL1 protein function with a negative predictive value of 80%. In summary, the available evidence is currently insufficient to determine the role of this variant in disease. Therefore, it has been classified as a Variant of Uncertain Significance.

Blueprint Genetics
Classification: Likely benign. Last evaluated: 2023-12-14. Review status: criteria provided, single submitter. Criteria: ACMG Guidelines, 2015. Collection method: clinical testing. Allele origin: germline.

NM_001330311.2(DVL1):c.599C>T (p.Thr200Met)

Gene: DVL1 (dishevelled segment polarity protein 1; minus strand). Cytogenetic location: 1p36.33.
Variant type: single nucleotide variant.
Coding change: c.599C>T on transcript NM_001330311.2 (MANE Select); coding-DNA position 599, C replaced by T.
Protein change: p.Thr200Met; replaces threonine 200 with methionine.
Molecular consequence: missense variant.
Genome position (GRCh38, 1-based): chr1:1,341,673, G>A on the plus strand (C>T on the coding strand, the complement: DVL1 is on the minus strand). VCF-style: chr1-1341673-G-A. GRCh37 (hg19) VCF-style: chr1-1277053-G-A.
Other names: c.599C>T, p.Thr200Met (NM_004421.3); short protein forms T200M.
Identifiers: ClinVar variation 1433058 (VCV001433058.9), dbSNP rs1254209708, ClinGen allele CA337873803.